The following is an entry in ClinVar:

NM_000441.2(SLC26A4):c.1003T>G (p.Phe335Val)

Gene: SLC26A4 (solute carrier family 26 member 4; plus strand). Cytogenetic location: 7q22.3.
Variant type: single nucleotide variant.
Coding change: c.1003T>G on transcript NM_000441.2 (MANE Select); coding-DNA position 1003, T replaced by G.
Protein change: p.Phe335Val; replaces phenylalanine 335 with valine.
Molecular consequence: missense variant.
Genome position (GRCh38, 1-based): chr7:107,689,054, T>G. VCF-style: chr7-107689054-T-G. GRCh37 (hg19) VCF-style: chr7-107329499-T-G.
Other names: c.1003T>G (NM_000441.1); short protein forms F335V.
Identifiers: ClinVar variation 1210160 (VCV001210160.3), dbSNP rs111033212, ClinGen allele CA368838305.

ClinVar aggregate classification (germline): Likely pathogenic. Review status: criteria provided, multiple submitters, no conflicts (2 of 4 stars). 3 submissions from 3 submitters: Likely pathogenic (3). Last evaluated 2025-09-12.

Conditions:
Pendred syndrome (PDS). Also called: THYROID DYSHORMONOGENESIS 2B; THYROID HORMONOGENESIS, GENETIC DEFECT IN, 2B; Pendred's syndrome; Pendred Syndrome (PDS); DEAFNESS WITH GOITER; GOITER-DEAFNESS SYNDROME. Identifiers: Orphanet 705, MedGen C0271829, MONDO:0010134, OMIM 274600.
Autosomal recessive nonsyndromic hearing loss 4 (DFNB4). Also called: FOXI1-Related Pendred Syndrome; KCNJ10-Related Pendred Syndrome; DEAFNESS, AUTOSOMAL RECESSIVE 4, WITH ENLARGED VESTIBULAR AQUEDUCT, DIGENIC; Nonsyndromic enlarged vestibular aqueduct (NSEVA); Deafness, autosomal recessive 4; NEUROSENSORY NONSYNDROMIC RECESSIVE DEAFNESS 4. Identifiers: Orphanet 90636, MedGen C3538946, MONDO:0010933, OMIM 600791.

gnomAD v4.1: 1 of 1,613,746 alleles (0.000062%); highest among the groups gnomAD compares: Non-Finnish European, 0.000085%; no homozygotes.

Submissions (3):

Natera, Inc.
Classification: Likely pathogenic for Pendred syndrome. Last evaluated: 2025-09-12. Review status: criteria provided, single submitter. Criteria: Natera Variant Classification Schema (03/2026). Collection method: clinical testing. Allele origin: germline.
Comment: The c.1003T>G variant in SLC26A4 is a missense variant predicted to cause substitution of phenylalanine to valine at amino acid 335. This variant is rare in the general population with a frequency below the threshold expected for the associated phenotype(s). This variant has been observed in one or more individuals affected with the associated recessive disease, as either homozygous or compound heterozygous with a second variant (PMID: 29739340). A different variant at the same position has been determined to be Pathogenic or Likely Pathogenic. Computational prediction algorithms indicate this variant is likely to affect gene or protein function. Given the available evidence, this variant is classified as Likely Pathogenic.

Baylor Genetics
Classification: Likely pathogenic for Autosomal recessive nonsyndromic hearing loss 4. Last evaluated: 2023-06-21. Review status: criteria provided, single submitter. Criteria: ACMG Guidelines, 2015. Collection method: clinical testing. Allele origin: unknown.

Laboratory of Human Genetics, Institute of Biosciences - University of Sao Paulo
Classification: Likely pathogenic for Autosomal recessive nonsyndromic hearing loss 4. Review status: criteria provided, single submitter. Criteria: ClinGen HL ACMG Specifications v1. Collection method: research. Allele origin: germline. Inheritance: Autosomal recessive inheritance. Affected: yes. Observed: 1 compound heterozygote. Segregation with disease observed.

Literature cited by the submitters: PubMed 29739340 (cited by Natera, Inc. and Laboratory of Human Genetics, Institute of Biosciences - University of Sao Paulo).